The following is an entry in ClinVar:

ClinVar aggregate classification (germline): Uncertain significance (1 of 4 stars; one submission).

Allele frequency attached by ClinVar (database versions not stated): gnomAD exomes 0.00001.
gnomAD v4.1: 6 of 1,191,123 alleles (0.0005%); highest among the groups gnomAD compares: Non-Finnish European, 0.00068%; no homozygotes.

Submission:

GeneDx
Classification: Uncertain significance. Last evaluated: 2023-05-07. Review status: criteria provided, single submitter. Criteria: GeneDx Variant Classification Process June 2021. Collection method: clinical testing. Allele origin: germline. Affected: yes.
Comment: Identified in an individual with a neurodevelopmental disorder, but segregation and detailed clinical information was not provided (Wang et al., 2020); Not observed at significant frequency in large population cohorts (gnomAD); In silico analysis supports that this missense variant has a deleterious effect on protein structure/function; This variant is associated with the following publications: (PMID: 33004838)

NM_014927.5(CNKSR2):c.2782C>T (p.Arg928Cys)

Gene: CNKSR2 (connector enhancer of kinase suppressor of Ras 2; plus strand). Cytogenetic location: Xp22.12.
Variant type: single nucleotide variant.
Coding change: c.2782C>T on transcript NM_014927.5 (MANE Select); coding-DNA position 2782, C replaced by T.
Protein change: p.Arg928Cys; replaces arginine 928 with cysteine.
Molecular consequence: missense variant.
Genome position (GRCh38, 1-based): chrX:21,648,920, C>T. VCF-style: chrX-21648920-C-T. GRCh37 (hg19) VCF-style: chrX-21667038-C-T.
Other names: c.2692C>T, p.Arg898Cys (NM_001168647.3); c.2635C>T, p.Arg879Cys (NM_001330770.2); c.2545C>T, p.Arg849Cys (NM_001330772.2); short protein forms R849C, R879C, R898C, R928C.
Identifiers: ClinVar variation 2663218 (VCV002663218.1), dbSNP rs2519447541, ClinGen allele CA412553779.